The following is an entry in ClinVar:

NM_000142.5(FGFR3):c.1090G>C (p.Val364Leu)

Gene: FGFR3 (fibroblast growth factor receptor 3; plus strand). Cytogenetic location: 4p16.3.
Variant type: single nucleotide variant.
Coding change: c.1090G>C on transcript NM_000142.5 (MANE Select); coding-DNA position 1090, G replaced by C.
Protein change: p.Val364Leu; replaces valine 364 with leucine.
Molecular consequence: missense variant. On other transcripts: non-coding transcript variant (1), intron variant (1).
Genome position (GRCh38, 1-based): chr4:1,804,344, G>C. VCF-style: chr4-1804344-G-C. GRCh37 (hg19) VCF-style: chr4-1806071-G-C.
Other names: c.1096G>C, p.Val366Leu (NM_001163213.2); c.1090G>C, p.Val364Leu (NM_001354809.2, NM_001354810.2); c.931-480G>C (NM_022965.4); short protein forms V364L, V366L.
Identifiers: ClinVar variation 4291911 (VCV004291911.1).

ClinVar aggregate classification (germline): Uncertain significance (1 of 4 stars; one submission).

Conditions:
FGFR3-related disorder. Also called: FGFR3-related disorders.

Submission:

3billion
Classification: Uncertain significance for FGFR3-related disorder. Last evaluated: 2024-10-18. Review status: criteria provided, single submitter. Criteria: ACMG Guidelines, 2015. Collection method: clinical testing. Allele origin: germline. Affected: yes.
Comment: The variant is not observed in the gnomAD v4.1.0 dataset. Predicted Consequence/Location: Missense variant. Missense changes are a common disease-causing mechanism. In silico tool predictions suggest damaging effect of the variant on gene or gene product [3Cnet: 0.96 (>=0.6, sensitivity 0.72 and precision 0.9)]. Therefore, this variant is classified as VUS according to the recommendation of ACMG/AMP guideline.